The following is an entry in ClinVar:

ClinVar aggregate classification (germline): Uncertain significance (1 of 4 stars; one submission).

Allele frequency attached by ClinVar (database versions not stated): gnomAD exomes below 0.00001.
gnomAD v4.1: 3 of 1,613,900 alleles (0.00019%); highest among the groups gnomAD compares: Non-Finnish European, 0.00017%; no homozygotes.

Submission:

Labcorp Genetics (formerly Invitae), Labcorp
Classification: Uncertain significance. Last evaluated: 2022-08-10. Review status: criteria provided, single submitter. Criteria: Invitae Variant Classification Sherloc (09022015). Collection method: clinical testing. Allele origin: germline.
Comment: Variants that disrupt the consensus splice site are a relatively common cause of aberrant splicing (PMID: 17576681, 9536098). Algorithms developed to predict the effect of sequence changes on RNA splicing suggest that this variant is not likely to affect RNA splicing. This variant has not been reported in the literature in individuals affected with SH3PXD2B-related conditions. This variant is present in population databases (rs772543238, gnomAD 0.0009%). This sequence change falls in intron 7 of the SH3PXD2B gene. It does not directly change the encoded amino acid sequence of the SH3PXD2B protein. It affects a nucleotide within the consensus splice site. In summary, the available evidence is currently insufficient to determine the role of this variant in disease. Therefore, it has been classified as a Variant of Uncertain Significance.

Literature cited by the submitters: PubMed 17576681; PubMed 9536098.

NM_001017995.3(SH3PXD2B):c.562+5G>A

Gene: SH3PXD2B (SH3 and PX domains 2B; minus strand). Cytogenetic location: 5q35.1.
Variant type: single nucleotide variant.
Coding change: c.562+5G>A on transcript NM_001017995.3 (MANE Select); 5 bases into the intron after coding-DNA position 562, G replaced by A.
Molecular consequence: intron variant.
Genome position (GRCh38, 1-based): chr5:172,362,730, C>T on the plus strand (G>A on the coding strand, the complement: SH3PXD2B is on the minus strand). VCF-style: chr5-172362730-C-T. GRCh37 (hg19) VCF-style: chr5-171789734-C-T.
Other names: c.562+5G>A (NM_001308175.2).
Identifiers: ClinVar variation 1950727 (VCV001950727.3), dbSNP rs772543238, ClinGen allele CA132170100.